The following is an entry in ClinVar:

NM_001845.6(COL4A1):c.2659C>T (p.Pro887Ser)

Gene: COL4A1 (collagen type IV alpha 1 chain; minus strand). Cytogenetic location: 13q34.
Variant type: single nucleotide variant.
Coding change: c.2659C>T on transcript NM_001845.6 (MANE Select); coding-DNA position 2659, C replaced by T.
Protein change: p.Pro887Ser; replaces proline 887 with serine.
Molecular consequence: missense variant.
Genome position (GRCh38, 1-based): chr13:110,177,899, G>A on the plus strand (C>T on the coding strand, the complement: COL4A1 is on the minus strand). VCF-style: chr13-110177899-G-A. GRCh37 (hg19) VCF-style: chr13-110830246-G-A.
Other names: short protein forms P887S.
Identifiers: ClinVar variation 392901 (VCV000392901.11), dbSNP rs1055161168, ClinGen allele CA16606627.

ClinVar aggregate classification (germline): Uncertain significance. Review status: criteria provided, multiple submitters, no conflicts (2 of 4 stars). 4 submissions from 4 submitters: Uncertain significance (4). Last evaluated 2025-02-06.

Conditions:
Autosomal dominant familial hematuria-retinal arteriolar tortuosity-contractures syndrome. Also called: Angiopathy, hereditary, with nephropathy, aneurysms, and muscle cramps; Hereditary Angiopathy with Nephropathy, Aneurysms, and Muscle Cramps (HANAC) Syndrome. Identifiers: Orphanet 73229, MedGen C2673195, MONDO:0012726, OMIM 611773.
Hemorrhage, intracerebral, susceptibility to (ICH). Also called: Stroke, hemorrhagic, susceptibility to. Identifiers: MedGen C3281105, MONDO:0100533, OMIM 614519.
Retinal arterial tortuosity. Also called: Retinal arteries, tortuosity of; RETINAL HEMORRHAGE WITH VASCULAR TORTUOSITY. Identifiers: Orphanet 75326, MedGen C0423401, MONDO:0008373, OMIM 180000, HP:0000631.
Brain small vessel disease 1 with or without ocular anomalies (BSVD1). Also called: BRAIN SMALL VESSEL DISEASE WITH HEMORRHAGE; GOULD SYNDROME 1; PORENCEPHALY, TYPE 1, AUTOSOMAL DOMINANT; Brain small vessel disease with or without ocular anomalies. Identifiers: Orphanet 2940, Orphanet 36383, Orphanet 99810, MedGen C4755307, MONDO:0008289, OMIM 175780.
Microangiopathy and leukoencephalopathy, pontine, autosomal dominant. Also called: Pontine autosomal dominant microangiopathy with leukoencephalopathy; DEMENTIA, HEREDITARY MULTI-INFARCT, SWEDISH TYPE. Identifiers: Orphanet 477749, MedGen C5231411, MONDO:0032814, OMIM 618564.

Allele frequency attached by ClinVar (database versions not stated): gnomAD 0.00001; gnomAD exomes 0.00001; TOPMed 0.00002.
gnomAD v4.1: 7 of 1,614,006 alleles (0.00043%); highest among the groups gnomAD compares: African/African-American, 0.0013%; no homozygotes.

Submissions (4):

Labcorp Genetics (formerly Invitae), Labcorp
Classification: Uncertain significance. Last evaluated: 2025-02-06. Review status: criteria provided, single submitter. Criteria: Invitae Variant Classification Sherloc (09022015). Collection method: clinical testing. Allele origin: germline.
Comment: This sequence change replaces proline, which is neutral and non-polar, with serine, which is neutral and polar, at codon 887 of the COL4A1 protein (p.Pro887Ser). This variant is present in population databases (no rsID available, gnomAD 0.002%). This variant has not been reported in the literature in individuals affected with COL4A1-related conditions. ClinVar contains an entry for this variant (Variation ID: 392901). Invitae Evidence Modeling of protein sequence and biophysical properties (such as structural, functional, and spatial information, amino acid conservation, physicochemical variation, residue mobility, and thermodynamic stability) indicates that this missense variant is not expected to disrupt COL4A1 protein function with a negative predictive value of 95%. In summary, the available evidence is currently insufficient to determine the role of this variant in disease. Therefore, it has been classified as a Variant of Uncertain Significance.

Greenwood Genetic Center Diagnostic Laboratories, Greenwood Genetic Center
Classification: Uncertain significance. Last evaluated: 2024-10-08. Review status: criteria provided, single submitter. Criteria: ACMG Guidelines, 2015. Collection method: clinical testing. Allele origin: germline. Affected: yes.
Comment: PP2, PP3

Fulgent Genetics
Classification: Uncertain significance for Brain small vessel disease 1 with or without ocular anomalies; Retinal arterial tortuosity; Autosomal dominant familial hematuria-retinal arteriolar tortuosity-contractures syndrome; Hemorrhage, intracerebral, susceptibility to; Microangiopathy and leukoencephalopathy, pontine, autosomal dominant. Last evaluated: 2022-03-04. Review status: criteria provided, single submitter. Criteria: ACMG Guidelines, 2015. Collection method: clinical testing. Allele origin: unknown.

GeneDx
Classification: Uncertain significance. Last evaluated: 2017-01-19. Review status: criteria provided, single submitter. Criteria: GeneDx Variant Classification (06012015). Collection method: clinical testing. Allele origin: germline. Affected: yes.
Comment: The P887S variant has not been published as a pathogenic variant, nor has it been reported as a benign variant to our knowledge. The P887S variant is not observed in large population cohorts (Lek et al., 2016; 1000 Genomes Consortium et al., 2015; Exome Variant Server). The P887S variant is a non-conservative amino acid substitution that occurs at a position predicted to be in the triple helical region that is conserved across species, and in silico analysis predicts this variant is probably damaging to the protein structure/function. Missense variants in nearby residues (G882D, G888R, G891D) have been reported in the literature and/or identified at GeneDx in association with neurodevelopmental disorders, supporting the functional importance of this region of the protein. Based on the currently available information, it is unclear whether this variant is a pathogenic variant or a rare benign variant.